The following is an entry in ClinVar:

NM_001374828.1(ARID1B):c.360C>T (p.Ser120=)

Genes: ARID1B (AT-rich interaction domain 1B; plus strand), LOC115308161 (uncharacterized LOC115308161; minus strand). Cytogenetic location: 6q25.3.
Variant type: single nucleotide variant.
Coding change: c.360C>T on transcript NM_001374828.1 (MANE Select); coding-DNA position 360, C replaced by T.
Protein change: p.Ser120=; no amino-acid change (serine 120 retained).
Molecular consequence: synonymous variant.
Genome position (GRCh38, 1-based): chr6:156,778,040, C>T. VCF-style: chr6-156778040-C-T. GRCh37 (hg19) VCF-style: chr6-157099174-C-T.
Other names: c.111C>T, p.Ser37= (NM_001346813.1, NM_020732.3); c.360C>T, p.Ser120= (NM_001371656.1, NM_001374820.1, NM_017519.3); c.-64C>T (NM_175863.2).
Identifiers: ClinVar variation 3057572 (VCV003057572.2), dbSNP rs1331150776, ClinGen allele CA452988850.

ClinVar aggregate classification (germline): Likely benign (0 of 4 stars; one submission).

Conditions:
ARID1B-Related Disorder. Identifiers: MedGen CN381337.

gnomAD v4.1: 10 of 1,535,592 alleles (0.00065%); highest among the groups gnomAD compares: East Asian, 0.02%; no homozygotes.

Submission:

PreventionGenetics, part of Exact Sciences
Classification: Likely benign for ARID1B-related condition. Last evaluated: 2021-10-12. Review status: no assertion criteria provided. Collection method: clinical testing. Allele origin: germline.
Comment: This variant is classified as likely benign based on ACMG/AMP sequence variant interpretation guidelines (Richards et al. 2015 PMID: 25741868, with internal and published modifications).